The following is an entry in ClinVar:

NM_005546.4(ITK):c.1343G>A (p.Arg448His)

Gene: ITK (IL2 inducible T cell kinase; plus strand). Cytogenetic location: 5q33.3.
Variant type: single nucleotide variant.
Coding change: c.1343G>A on transcript NM_005546.4 (MANE Select); coding-DNA position 1343, G replaced by A.
Protein change: p.Arg448His; replaces arginine 448 with histidine.
Molecular consequence: missense variant.
Genome position (GRCh38, 1-based): chr5:157,244,372, G>A. VCF-style: chr5-157244372-G-A. GRCh37 (hg19) VCF-style: chr5-156671382-G-A.
Other names: p.Arg448His; short protein forms R448H.
Identifiers: ClinVar variation 577129 (VCV000577129.54), dbSNP rs144735141, ClinGen allele CA3533061.

ClinVar aggregate classification (germline): Conflicting classifications of pathogenicity. Review status: criteria provided, conflicting classifications (1 of 4 stars). 6 submissions from 6 submitters: Uncertain significance (5); Likely benign (1). Last evaluated 2026-09-25.

Conditions:
ITK-related disorder. Also called: ITK-related condition.
Lymphoproliferative syndrome 1 (LPFS1). Identifiers: Orphanet 238505, Orphanet 538963, MedGen C3552634, MONDO:0013081, OMIM 613011.

Allele frequency attached by ClinVar (database versions not stated): gnomAD 0.00016; TOPMed 0.00019.
gnomAD v4.1: 323 of 1,613,778 alleles (0.02%); highest among the groups gnomAD compares: South Asian, 0.037%; 5 homozygotes.

Submissions (6):

PreventionGenetics, part of Exact Sciences
Classification: Likely benign for ITK-related condition. Last evaluated: 2026-09-25. Review status: criteria provided, single submitter. Criteria: ACMG Guidelines, 2015. Collection method: clinical testing. Allele origin: germline.
Comment: This variant is classified as likely benign based on ACMG/AMP sequence variant interpretation guidelines (Richards et al. 2015 PMID: 25741868, with internal and published modifications).

Labcorp Genetics (formerly Invitae), Labcorp
Classification: Uncertain significance for Lymphoproliferative syndrome 1. Last evaluated: 2026-01-26. Review status: criteria provided, single submitter. Criteria: Invitae Variant Classification Sherloc (09022015). Collection method: clinical testing. Allele origin: germline.
Comment: This sequence change replaces arginine, which is basic and polar, with histidine, which is basic and polar, at codon 448 of the ITK protein (p.Arg448His). This variant is present in population databases (rs144735141, gnomAD 0.05%), including at least one homozygous and/or hemizygous individual. This variant has not been reported in the literature in individuals affected with ITK-related conditions. ClinVar contains an entry for this variant (Variation ID: 577129). Invitae Evidence Modeling of protein sequence and biophysical properties (such as structural, functional, and spatial information, amino acid conservation, physicochemical variation, residue mobility, and thermodynamic stability) indicates that this missense variant is not expected to disrupt ITK protein function with a negative predictive value of 80%. In summary, the available evidence is currently insufficient to determine the role of this variant in disease. Therefore, it has been classified as a Variant of Uncertain Significance.

Blueprint Genetics
Classification: Uncertain significance. Last evaluated: 2024-11-25. Review status: criteria provided, single submitter. Criteria: ACMG Guidelines, 2015. Collection method: clinical testing. Allele origin: germline.

Mayo Clinic Laboratories, Mayo Clinic
Classification: Uncertain significance. Last evaluated: 2023-11-17. Review status: criteria provided, single submitter. Criteria: ACMG Guidelines, 2015. Collection method: clinical testing. Allele origin: germline. Observed: 1 variant allele.
Comment: PM2

GeneDx
Classification: Uncertain significance. Last evaluated: 2020-10-14. Review status: criteria provided, single submitter. Criteria: GeneDx Variant Classification Process June 2021. Collection method: clinical testing. Allele origin: germline. Affected: yes.
Comment: In silico analysis supports that this missense variant has a deleterious effect on protein structure/function; Has been observed in a single individual with ovarian cancer; however it was unclear in this report whether this was a germline or somatic variant (Kanchi et al., 2014); This variant is associated with the following publications: (PMID: 24448499)

CeGaT Center for Human Genetics Tuebingen
Classification: Uncertain significance. Last evaluated: 2018-06-01. Review status: criteria provided, single submitter. Criteria: CeGaT Center For Human Genetics Tuebingen Variant Classification Criteria Version 2. Collection method: clinical testing. Allele origin: germline. Affected: yes. Observed: 1 variant allele.

Literature cited by the submitters: PubMed 24448499 (cited by Mayo Clinic Laboratories, Mayo Clinic).